The following is an entry in ClinVar:

NM_007294.4(BRCA1):c.1288G>C (p.Asp430His)

Gene: BRCA1 (BRCA1 DNA repair associated; minus strand). Cytogenetic location: 17q21.31.
Variant type: single nucleotide variant.
Coding change: c.1288G>C on transcript NM_007294.4 (MANE Select); coding-DNA position 1288, G replaced by C.
Protein change: p.Asp430His; replaces aspartic acid 430 with histidine.
Molecular consequence: missense variant. On other transcripts: intron variant (137).
Genome position (GRCh38, 1-based): chr17:43,094,243, C>G on the plus strand (G>C on the coding strand, the complement: BRCA1 is on the minus strand). VCF-style: chr17-43094243-C-G. GRCh37 (hg19) VCF-style: chr17-41246260-C-G.
Other names: c.1075G>C, p.Asp359His (NM_001407571.1, NM_001407853.1, NM_001407894.1 and 9 more transcripts); c.1288G>C, p.Asp430His (NM_001407581.1, NM_001407582.1, NM_001407583.1 and 30 more transcripts); c.1285G>C, p.Asp429His (NM_001407587.1, NM_001407590.1, NM_001407591.1 and 22 more transcripts); c.1279G>C, p.Asp427His (NM_001407646.1, NM_001407647.1); c.1165G>C, p.Asp389His (NM_001407648.1, NM_001407664.1, NM_001407665.1 and 19 more transcripts); c.1162G>C, p.Asp388His (NM_001407649.1, NM_001407670.1, NM_001407671.1 and 11 more transcripts); c.1210G>C, p.Asp404His (NM_001407653.1, NM_001407654.1, NM_001407655.1 and 4 more transcripts); c.1207G>C, p.Asp403His (NM_001407659.1, NM_001407660.1, NM_001407661.1 and 1 more transcripts); and 40 more; short protein forms D383H, D430H, D134H, D303H, D359H, D382H, D262H, D302H.
Identifiers: ClinVar variation 1443709 (VCV001443709.11), dbSNP rs2154461295, ClinGen allele CA10599479.

ClinVar aggregate classification (germline): Conflicting classifications of pathogenicity. Review status: criteria provided, conflicting classifications (1 of 4 stars). 2 submissions from 2 submitters: Uncertain significance (1); Likely benign (1). Last evaluated 2023-04-14.

Conditions:
Hereditary cancer-predisposing syndrome. Also called: Tumor predisposition; Hereditary Cancer Syndrome; Hereditary neoplastic syndrome; Neoplastic Syndromes, Hereditary. Identifiers: Orphanet 140162, MedGen C0027672, MeSH D009386, MONDO:0015356.
Hereditary breast ovarian cancer syndrome. Also called: Hereditary breast and ovarian cancer; Hereditary breast and ovarian cancer syndrome; Breast and ovarian cancer; BRCA1- and BRCA2-Associated Hereditary Breast and Ovarian Cancer; Hereditary breast and/or ovarian cancer syndrome; Hereditary breast and ovarian cancer syndrome (HBOC). Identifiers: Orphanet 145, MedGen C0677776, MeSH D061325, MONDO:0003582. Disease mechanism: loss of function.

Submissions (2):

Labcorp Genetics (formerly Invitae), Labcorp
Classification: Uncertain significance for Hereditary breast ovarian cancer syndrome. Last evaluated: 2023-04-14. Review status: criteria provided, single submitter. Criteria: Invitae Variant Classification Sherloc (09022015). Collection method: clinical testing. Allele origin: germline.
Comment: ClinVar contains an entry for this variant (Variation ID: 1443709). Advanced modeling of protein sequence and biophysical properties (such as structural, functional, and spatial information, amino acid conservation, physicochemical variation, residue mobility, and thermodynamic stability) performed at Invitae indicates that this missense variant is not expected to disrupt BRCA1 protein function. In summary, the available evidence is currently insufficient to determine the role of this variant in disease. Therefore, it has been classified as a Variant of Uncertain Significance. This variant has not been reported in the literature in individuals affected with BRCA1-related conditions. This sequence change replaces aspartic acid, which is acidic and polar, with histidine, which is basic and polar, at codon 430 of the BRCA1 protein (p.Asp430His). This variant is not present in population databases (gnomAD no frequency).

University of Washington Department of Laboratory Medicine, University of Washington
Classification: Likely benign for Hereditary cancer-predisposing syndrome. Last evaluated: 2023-03-23. Review status: criteria provided, single submitter. Criteria: Dines et al. (Genet Med. 2020). Collection method: curation. Allele origin: germline.
Comment: Missense variant in a coldspot region where missense variants are very unlikely to be pathogenic (PMID:31911673).

BRCA1 coldspot (exon 11 using historical exon numbering). Reclassification based on statistical prior probability